The following is an entry in ClinVar:

Single allele

Gene: RUNX2 (RUNX family transcription factor 2; plus strand). Cytogenetic location: 6p21.1.
Variant type: single nucleotide variant.
Identifiers: ClinVar variation 437934 (VCV000437934.3).

ClinVar aggregate classification (germline): Pathogenic (0 of 4 stars; one submission).

Conditions:
Cleidocranial dysostosis (CLCD1). Also called: Cleidocranial Dysplasia Spectrum Disorder; cleidocranial dysplasia 1; Marie-Sainton disease. Identifiers: Orphanet 1452, MedGen C0008928, MONDO:0007340, OMIM 119600.

Submission:

Biologia e Medicina Molecolare, Sapienza University of Rome
Classification: Pathogenic for Cleidocranial dysostosis. Last evaluated: 2016-08-31. Review status: no assertion criteria provided. Collection method: clinical testing. Allele origin: somatic. Affected: yes. Observed: 1 variant allele, 1 heterozygote.
Comment: Abnormalities in the bones and teeth

Literature cited by the submitters: DOI https://doi.org/10.1002/ccr3.2825.